The following is an entry in ClinVar:

NM_053025.4(MYLK):c.3751G>A (p.Ala1251Thr)

Gene: MYLK (myosin light chain kinase; minus strand). Cytogenetic location: 3q21.1.
Variant type: single nucleotide variant.
Coding change: c.3751G>A on transcript NM_053025.4 (MANE Select); coding-DNA position 3751, G replaced by A.
Protein change: p.Ala1251Thr; replaces alanine 1251 with threonine.
Molecular consequence: missense variant.
Genome position (GRCh38, 1-based): chr3:123,666,299, C>T on the plus strand (G>A on the coding strand, the complement: MYLK is on the minus strand). VCF-style: chr3-123666299-C-T. GRCh37 (hg19) VCF-style: chr3-123385146-C-T.
Other names: c.3223G>A, p.Ala1075Thr (NM_001321309.2); c.3544G>A, p.Ala1182Thr (NM_053026.4, NM_053028.4); c.3751G>A, p.Ala1251Thr (NM_053027.4); short protein forms A1075T, A1182T, A1251T.
Identifiers: ClinVar variation 1803518 (VCV001803518.8), dbSNP rs530737058, ClinGen allele CA070158.

ClinVar aggregate classification (germline): Uncertain significance. Review status: criteria provided, multiple submitters, no conflicts (2 of 4 stars). 3 submissions from 3 submitters: Uncertain significance (3). Last evaluated 2025-02-06.

Conditions:
Familial thoracic aortic aneurysm and aortic dissection (TAAD). Also called: Thoracic aortic aneurysms and dissections. Identifiers: Orphanet 91387, MedGen C4707243, MONDO:0019625.
Aortic aneurysm, familial thoracic 7 (AAT7). Also called: AORTIC DISSECTION, FAMILIAL, WITH OR WITHOUT AORTIC ANEURYSM. Identifiers: MedGen C3151077, MONDO:0013418, OMIM 613780.

Allele frequency attached by ClinVar (database versions not stated): gnomAD 0.00003; 1000 Genomes Project 30x 0.00031; 1000 Genomes Project 0.00020.
gnomAD v4.1: 45 of 1,614,206 alleles (0.0028%); highest among the groups gnomAD compares: Non-Finnish European, 0.0032%; no homozygotes.

Submissions (3):

GeneDx
Classification: Uncertain significance. Last evaluated: 2025-02-06. Review status: criteria provided, single submitter. Criteria: GeneDx Variant Classification Process June 2021. Collection method: clinical testing. Allele origin: germline.
Comment: Has not been previously published as pathogenic or benign to our knowledge; In silico analysis supports that this missense variant has a deleterious effect on protein structure/function

Labcorp Genetics (formerly Invitae), Labcorp
Classification: Uncertain significance for Aortic aneurysm, familial thoracic 7. Last evaluated: 2025-01-28. Review status: criteria provided, single submitter. Criteria: Invitae Variant Classification Sherloc (09022015). Collection method: clinical testing. Allele origin: germline.
Comment: This sequence change replaces alanine, which is neutral and non-polar, with threonine, which is neutral and polar, at codon 1251 of the MYLK protein (p.Ala1251Thr). This variant is present in population databases (rs530737058, gnomAD 0.008%). This variant has not been reported in the literature in individuals affected with MYLK-related conditions. ClinVar contains an entry for this variant (Variation ID: 1803518). Invitae Evidence Modeling of protein sequence and biophysical properties (such as structural, functional, and spatial information, amino acid conservation, physicochemical variation, residue mobility, and thermodynamic stability) indicates that this missense variant is not expected to disrupt MYLK protein function with a negative predictive value of 80%. In summary, the available evidence is currently insufficient to determine the role of this variant in disease. Therefore, it has been classified as a Variant of Uncertain Significance.

Ambry Genetics
Classification: Uncertain significance for Familial thoracic aortic aneurysm and aortic dissection. Last evaluated: 2022-12-01. Review status: criteria provided, single submitter. Criteria: Ambry Variant Classification Scheme 2023. Collection method: clinical testing. Allele origin: germline.
Comment: The p.A1251T variant (also known as c.3751G>A), located in coding exon 19 of the MYLK gene, results from a G to A substitution at nucleotide position 3751. The alanine at codon 1251 is replaced by threonine, an amino acid with similar properties. This amino acid position is conserved. In addition, this alteration is predicted to be tolerated by in silico analysis. Since supporting evidence is limited at this time, the clinical significance of this alteration remains unclear.